The following is an entry in ClinVar:

ClinVar aggregate classification (germline): Benign. Review status: criteria provided, multiple submitters, no conflicts (2 of 4 stars). 3 submissions from 3 submitters: Benign (3). Last evaluated 2021-07-14.

Conditions:
Geleophysic dysplasia 1 (GPHYSD1). Also called: Geleophysic dwarfism. Identifiers: Orphanet 2623, MedGen C3278147, MONDO:0009269, OMIM 231050.

Allele frequency attached by ClinVar (database versions not stated): 1000 Genomes Project 0.37460; 1000 Genomes Project 30x 0.38226; TOPMed 0.49286; gnomAD 0.49548 and 0.50762; gnomAD exomes 0.49620.
gnomAD v4.1: 677,292 of 1,367,108 alleles (50%); highest among the groups gnomAD compares: Non-Finnish European, 54%; 175,184 homozygotes.

Submissions (3):

Genome-Nilou Lab
Classification: Benign for Geleophysic dysplasia 1. Last evaluated: 2021-07-14. Review status: criteria provided, single submitter. Criteria: ACMG Guidelines, 2015. Collection method: clinical testing. Allele origin: germline. Affected: no.

GeneDx
Classification: Benign. Last evaluated: 2018-06-19. Review status: criteria provided, single submitter. Criteria: GeneDx Variant Classification (06012015). Collection method: clinical testing. Allele origin: germline. Affected: yes.
Comment: This variant is considered likely benign or benign based on one or more of the following criteria: it is a conservative change, it occurs at a poorly conserved position in the protein, it is predicted to be benign by multiple in silico algorithms, and/or has population frequency not consistent with disease.

Breakthrough Genomics
Classification: Benign. Review status: criteria provided, single submitter. Criteria: ACMG Guidelines, 2015. Collection method: not provided. Allele origin: germline. Inheritance: Autosomal recessive inheritance. Affected: yes.

NM_014694.4(ADAMTSL2):c.683-63C>T

Gene: ADAMTSL2 (ADAMTS like 2; plus strand). Cytogenetic location: 9q34.2.
Variant type: single nucleotide variant.
Coding change: c.683-63C>T on transcript NM_014694.4 (MANE Select); 63 bases into the intron before coding-DNA position 683, C replaced by T.
Molecular consequence: intron variant.
Genome position (GRCh38, 1-based): chr9:133,544,407, C>T. VCF-style: chr9-133544407-C-T. GRCh37 (hg19) VCF-style: chr9-136409529-C-T.
Other names: c.683-63C>T (NM_001145320.2).
Identifiers: ClinVar variation 680468 (VCV000680468.5), dbSNP rs11522325, ClinGen allele CA13021565.